The following is an entry in ClinVar:

Conditions:
Breast-ovarian cancer, familial, susceptibility to, 1 (BROVCA1). Also called: BRCA1 Hereditary Breast and Ovarian Cancer; OVARIAN CANCER, SUSCEPTIBILITY TO. Identifiers: Orphanet 145, MedGen C2676676, MONDO:0011450, OMIM 604370. Disease mechanism: loss of function.

Submission:

Brotman Baty Institute, University of Washington
No classification provided (evidence only). Condition: Breast-ovarian cancer, familial 1. Review status: no classification provided. Collection method: in vitro. Allele origin: not applicable. Functional consequence: functionally_normal.
ClinVar note: "not provided" was previously submitted as the classification for the variant. However, the classification appeared to be based only on an observation of functional data so it was converted to no classification on 2025-07-30.

NM_007294.4(BRCA1):c.5467+7T>C

Gene: BRCA1 (BRCA1 DNA repair associated; minus strand). Cytogenetic location: 17q21.31.
Variant type: single nucleotide variant.
Coding change: c.5467+7T>C on transcript NM_007294.4 (MANE Select); 7 bases into the intron after coding-DNA position 5467, T replaced by C.
Molecular consequence: intron variant.
Genome position (GRCh38, 1-based): chr17:43,047,636, A>G on the plus strand (T>C on the coding strand, the complement: BRCA1 is on the minus strand). VCF-style: chr17-43047636-A-G. GRCh37 (hg19) VCF-style: chr17-41199653-A-G.
Other names: c.2014+7T>C (NM_001408458.1, NM_001408461.1, NM_001408464.1 and 7 more transcripts); c.4576+7T>C (NM_001407967.1); c.5086+7T>C (NM_001407959.1); c.5200+7T>C (NM_001407931.1, NM_001407932.1, NM_001407928.1 and 4 more transcripts); c.5323+7T>C (NM_001407747.1, NM_001407745.1, NM_001407737.1 and 18 more transcripts); c.5083+7T>C (NM_001407962.1, NM_001407960.1); c.1654+7T>C (NM_001408512.1); c.1777+7T>C (NM_001408510.1); and 83 more.
Identifiers: ClinVar variation 867541 (VCV000867541.3), dbSNP rs2050973951, ClinGen allele CA916080763.
Genomic context (GRCh38, chr17:43,047,636, plus strand): 5'-TAATGAGTGATAAACCAAACCCATGCAAAAGGACCCCATATAGCACAGGTACATGCAGGC[A>G]CCTTACCATGGAAGCCATTGTCCTCTGTCCAGGCATCTGGCTGCACAACCACAATTGGGT-3'